The following is an entry in ClinVar:

ClinVar aggregate classification (germline): Uncertain significance (1 of 4 stars; one submission).

Conditions:
Methylcobalamin deficiency type cblE (HMAE). Also called: VITAMIN B12-RESPONSIVE HOMOCYSTINURIA, cblE TYPE; HOMOCYSTINURIA-MEGALOBLASTIC ANEMIA, cblE COMPLEMENTATION TYPE; HOMOCYSTINURIA-MEGALOBLASTIC ANEMIA, cblE TYPE. Identifiers: Orphanet 2169, Orphanet 622, MedGen C1856057, MONDO:0009354, OMIM 236270.

Submission:

Labcorp Genetics (formerly Invitae), Labcorp
Classification: Uncertain significance for Methylcobalamin deficiency type cblE. Last evaluated: 2022-03-10. Review status: criteria provided, single submitter. Criteria: Invitae Variant Classification Sherloc (09022015). Collection method: clinical testing. Allele origin: germline.
Comment: This variant has not been reported in the literature in individuals affected with MTRR-related conditions. In summary, the available evidence is currently insufficient to determine the role of this variant in disease. Therefore, it has been classified as a Variant of Uncertain Significance. Algorithms developed to predict the effect of sequence changes on RNA splicing suggest that this variant may create or strengthen a splice site. Algorithms developed to predict the effect of missense changes on protein structure and function are either unavailable or do not agree on the potential impact of this missense change (SIFT: "Deleterious"; PolyPhen-2: "Possibly Damaging"; Align-GVGD: "Class C0"). This variant is not present in population databases (gnomAD no frequency). This sequence change replaces lysine, which is basic and polar, with glutamic acid, which is acidic and polar, at codon 382 of the MTRR protein (p.Lys382Glu).

NM_002454.3(MTRR):c.1144A>G (p.Lys382Glu)

Gene: MTRR (5-methyltetrahydrofolate-homocysteine methyltransferase reductase; plus strand). Cytogenetic location: 5p15.31.
Variant type: single nucleotide variant.
Coding change: c.1144A>G on transcript NM_002454.3 (MANE Select); coding-DNA position 1144, A replaced by G.
Protein change: p.Lys382Glu; replaces lysine 382 with glutamic acid.
Molecular consequence: missense variant. On other transcripts: non-coding transcript variant (12).
Genome position (GRCh38, 1-based): chr5:7,886,701, A>G. VCF-style: chr5-7886701-A-G. GRCh37 (hg19) VCF-style: chr5-7886814-A-G.
Other names: c.1144A>G, p.Lys382Glu (NM_001364440.2, NM_001364441.2, NM_001364442.2 and 1 more transcripts); short protein forms K382E.
Identifiers: ClinVar variation 1974879 (VCV001974879.5), dbSNP rs2478967953, ClinGen allele CA359158263.